The following is an entry in ClinVar:

NM_000890.5(KCNJ5):c.937+7C>T

Gene: KCNJ5 (potassium inwardly rectifying channel subfamily J member 5; plus strand). Cytogenetic location: 11q24.3.
Variant type: single nucleotide variant.
Coding change: c.937+7C>T on transcript NM_000890.5 (MANE Select); 7 bases into the intron after coding-DNA position 937, C replaced by T.
Molecular consequence: intron variant.
Genome position (GRCh38, 1-based): chr11:128,912,217, C>T. VCF-style: chr11-128912217-C-T. GRCh37 (hg19) VCF-style: chr11-128782112-C-T.
Other names: p.?; c.937+7C>T (NM_001354169.2, LRG_333t1).
Identifiers: ClinVar variation 137994 (VCV000137994.26), dbSNP rs45516097, ClinGen allele CA291761.
Genomic context (GRCh38, chr11:128,912,217, plus strand): 5'-ATCAGGAAGAGTTTGAAGTTGTGGTCATTCTAGAAGGGATGGTGGAAGCCACAGGTAAGG[C>T]GCTTTGTCCTCCTCAGCCACAGGTGGCCCTACCTACACTTCAGACTTAGGCAACTGTGAC-3'

ClinVar aggregate classification (germline): Benign. Review status: criteria provided, multiple submitters, no conflicts (2 of 4 stars). 10 submissions from 10 submitters: Benign (8). 2 of the submissions do not count toward it. Last evaluated 2026-02-03.

Conditions:
Familial hyperaldosteronism type III. Also called: Familial hyperaldosteronism type 3; FH III. Identifiers: Orphanet 251274, MedGen C3838758, MONDO:0013359, OMIM 613677.
Long QT syndrome (LQTS). Identifiers: MedGen C0023976, MeSH D008133, MONDO:0002442. Disease mechanism: loss of function. Inheritance: Various modes of inheritance.

Allele frequency attached by ClinVar (database versions not stated): gnomAD exomes 0.01432 and 0.02990; ExAC 0.03060; ESP Exome Variant Server 0.05905; gnomAD 0.06133 and 0.06448; TOPMed 0.07060; 1000 Genomes Project 0.07628; 1000 Genomes Project 30x 0.07839.
gnomAD v4.1: 31,106 of 1,597,078 alleles (1.9%); highest among the groups gnomAD compares: African/African-American, 18%; 1,633 homozygotes.

Submissions (23):

Labcorp Genetics (formerly Invitae), Labcorp
Classification: Benign for Long QT syndrome. Last evaluated: 2026-02-03. Review status: criteria provided, single submitter. Criteria: Invitae Variant Classification Sherloc (09022015). Collection method: clinical testing. Allele origin: germline.

Blueprint Genetics
Classification: Benign. Last evaluated: 2024-11-27. Review status: criteria provided, single submitter. Criteria: ACMG Guidelines, 2015. Collection method: clinical testing. Allele origin: germline.

Women's Health and Genetics/Laboratory Corporation of America, LabCorp
Classification: Benign. Last evaluated: 2023-04-10. Review status: criteria provided, single submitter. Criteria: LabCorp Variant Classification Summary - May 2015. Collection method: clinical testing. Allele origin: germline.

Mayo Clinic Laboratories, Mayo Clinic
Classification: Benign. Last evaluated: 2022-03-09. Review status: criteria provided, single submitter. Criteria: ACMG Guidelines, 2015. Collection method: clinical testing. Allele origin: germline. Observed: 39 variant alleles.

Illumina Laboratory Services, Illumina
Classification: Benign for Familial hyperaldosteronism type III. Last evaluated: 2018-01-12. Review status: criteria provided, single submitter. Criteria: ICSL Variant Classification Criteria 13 December 2019. Collection method: clinical testing. Allele origin: germline.
Comment: This variant was observed in the ICSL laboratory as part of a predisposition screen in an ostensibly healthy population. It had not been previously curated by ICSL or reported in the Human Gene Mutation Database (HGMD: prior to June 1st, 2018), and was therefore a candidate for classification through an automated scoring system. Utilizing variant allele frequency, disease prevalence and penetrance estimates, and inheritance mode, an automated score was calculated to assess if this variant is too frequent to cause the disease. Based on the score and internal cut-off values, a variant classified as benign is not then subjected to further curation. The score for this variant resulted in a classification of benign for this disease.

GeneDx
Classification: Benign. Last evaluated: 2014-01-16. Review status: criteria provided, single submitter. Criteria: GeneDx Variant Classification (06012015). Collection method: clinical testing. Allele origin: germline. Affected: yes.
Comment: This variant is considered likely benign or benign based on one or more of the following criteria: it is a conservative change, it occurs at a poorly conserved position in the protein, it is predicted to be benign by multiple in silico algorithms, and/or has population frequency not consistent with disease.

Breakthrough Genomics
Classification: Benign. Review status: criteria provided, single submitter. Criteria: ACMG Guidelines, 2015. Collection method: not provided. Allele origin: germline. Inheritance: Autosomal dominant inheritance. Affected: yes.

PreventionGenetics, part of Exact Sciences
Classification: Benign. Review status: criteria provided, single submitter. Criteria: ACMG Guidelines, 2015. Collection method: clinical testing. Allele origin: germline.

Clinical Genetics, Academic Medical Center
Classification: Benign. Review status: no assertion criteria provided. Collection method: clinical testing. Allele origin: germline. Affected: yes. Study: VKGL Data-share Consensus. Not counted in ClinVar's aggregate classification.

Dr. Peter K. Rogan Lab, Western University
No classification provided (evidence only). Condition: Uterine corpus endometrial carcinoma. Review status: no classification provided. Collection method: in vitro. Allele origin: not applicable. Functional consequence: retained intron. Not counted in ClinVar's aggregate classification.

Dr. Peter K. Rogan Lab, Western University
No classification provided (evidence only). Condition: Uterine corpus endometrial carcinoma. Review status: no classification provided. Collection method: in vitro. Allele origin: not applicable. Functional consequence: retained intron. Not counted in ClinVar's aggregate classification.

Dr. Peter K. Rogan Lab, Western University
No classification provided (evidence only). Condition: Cervical cancer. Review status: no classification provided. Collection method: in vitro. Allele origin: not applicable. Functional consequence: retained intron. Not counted in ClinVar's aggregate classification.

Dr. Peter K. Rogan Lab, Western University
No classification provided (evidence only). Condition: Cervical cancer. Review status: no classification provided. Collection method: in vitro. Allele origin: not applicable. Functional consequence: retained intron. Not counted in ClinVar's aggregate classification.

Dr. Peter K. Rogan Lab, Western University
No classification provided (evidence only). Condition: Sarcoma. Review status: no classification provided. Collection method: in vitro. Allele origin: not applicable. Functional consequence: retained intron. Not counted in ClinVar's aggregate classification.

Dr. Peter K. Rogan Lab, Western University
No classification provided (evidence only). Condition: Thymoma. Review status: no classification provided. Collection method: in vitro. Allele origin: not applicable. Functional consequence: retained intron. Not counted in ClinVar's aggregate classification.

Dr. Peter K. Rogan Lab, Western University
No classification provided (evidence only). Condition: Thymoma. Review status: no classification provided. Collection method: in vitro. Allele origin: not applicable. Functional consequence: retained intron. Not counted in ClinVar's aggregate classification.

Dr. Peter K. Rogan Lab, Western University
No classification provided (evidence only). Condition: Ovarian serous cystadenocarcinoma. Review status: no classification provided. Collection method: in vitro. Allele origin: not applicable. Functional consequence: retained intron. Not counted in ClinVar's aggregate classification.

Dr. Peter K. Rogan Lab, Western University
No classification provided (evidence only). Condition: Ovarian serous cystadenocarcinoma. Review status: no classification provided. Collection method: in vitro. Allele origin: not applicable. Functional consequence: retained intron. Not counted in ClinVar's aggregate classification.

Dr. Peter K. Rogan Lab, Western University
No classification provided (evidence only). Condition: Ovarian serous cystadenocarcinoma. Review status: no classification provided. Collection method: in vitro. Allele origin: not applicable. Functional consequence: retained intron. Not counted in ClinVar's aggregate classification.

Dr. Peter K. Rogan Lab, Western University
No classification provided (evidence only). Condition: Ovarian serous cystadenocarcinoma. Review status: no classification provided. Collection method: in vitro. Allele origin: not applicable. Functional consequence: retained intron. Not counted in ClinVar's aggregate classification.

Dr. Peter K. Rogan Lab, Western University
No classification provided (evidence only). Condition: Malignant tumor of esophagus. Review status: no classification provided. Collection method: in vitro. Allele origin: not applicable. Functional consequence: retained intron. Not counted in ClinVar's aggregate classification.

Dr. Peter K. Rogan Lab, Western University
No classification provided (evidence only). Condition: Malignant tumor of esophagus. Review status: no classification provided. Collection method: in vitro. Allele origin: not applicable. Functional consequence: skipped exon, retained intron. Not counted in ClinVar's aggregate classification.

Joint Genome Diagnostic Labs from Nijmegen and Maastricht, Radboudumc and MUMC+
Classification: Benign. Review status: no assertion criteria provided. Collection method: clinical testing. Allele origin: germline. Affected: yes. Study: VKGL Data-share Consensus. Not counted in ClinVar's aggregate classification.